The following is an entry in ClinVar:

NM_003872.3(NRP2):c.1490C>T (p.Thr497Ile)

Gene: NRP2 (neuropilin 2; plus strand). Cytogenetic location: 2q33.3.
Variant type: single nucleotide variant.
Coding change: c.1490C>T on transcript NM_003872.3 (MANE Select); coding-DNA position 1490, C replaced by T.
Protein change: p.Thr497Ile; replaces threonine 497 with isoleucine.
Molecular consequence: missense variant.
Genome position (GRCh38, 1-based): chr2:205,743,401, C>T. VCF-style: chr2-205743401-C-T. GRCh37 (hg19) VCF-style: chr2-206608125-C-T.
Other names: c.1490C>T, p.Thr497Ile (NM_018534.4, NM_201264.2, NM_201266.2 and 2 more transcripts); short protein forms T497I.
Identifiers: ClinVar variation 4987585 (VCV004987585.1).

ClinVar aggregate classification (germline): Uncertain significance (1 of 4 stars; one submission).

Conditions:
NRP2-related disorder. Also called: NRP2-related condition.

gnomAD v4.1: 5 of 1,614,136 alleles (0.00031%); highest among the groups gnomAD compares: Admixed American, 0.0033%; no homozygotes.

Submission:

PreventionGenetics, part of Exact Sciences
Classification: Uncertain significance for NRP2-related condition. Last evaluated: 2026-03-10. Review status: criteria provided, single submitter. Criteria: ACMG Guidelines, 2015. Collection method: clinical testing. Allele origin: germline.
Comment: The NRP2 c.1490C>T variant is predicted to result in the amino acid substitution p.Thr497Ile. To our knowledge, this variant has not been reported in the literature. This variant is reported in 0.00088% of alleles in individuals of European (Non-Finnish) descent in gnomAD. At this time, the clinical significance of this variant is uncertain due to the absence of conclusive functional and genetic evidence.